The following is an entry in ClinVar:

ClinVar aggregate classification (germline): Uncertain significance (1 of 4 stars; one submission).

Allele frequency attached by ClinVar (database versions not stated): gnomAD exomes 0.00001; ExAC 0.00002.

Submission:

Labcorp Genetics (formerly Invitae), Labcorp
Classification: Uncertain significance. Last evaluated: 2024-05-23. Review status: criteria provided, single submitter. Criteria: Invitae Variant Classification Sherloc (09022015). Collection method: clinical testing. Allele origin: germline.
Comment: This sequence change replaces leucine, which is neutral and non-polar, with valine, which is neutral and non-polar, at codon 341 of the ASAH1 protein (p.Leu341Val). This variant is present in population databases (rs373464, gnomAD 0.0009%). This variant has not been reported in the literature in individuals affected with ASAH1-related conditions. ClinVar contains an entry for this variant (Variation ID: 2083099). Advanced modeling of protein sequence and biophysical properties (such as structural, functional, and spatial information, amino acid conservation, physicochemical variation, residue mobility, and thermodynamic stability) performed at Invitae indicates that this missense variant is not expected to disrupt ASAH1 protein function with a negative predictive value of 80%. In summary, the available evidence is currently insufficient to determine the role of this variant in disease. Therefore, it has been classified as a Variant of Uncertain Significance.

NM_177924.5(ASAH1):c.1021C>G (p.Leu341Val)

Gene: ASAH1 (N-acylsphingosine amidohydrolase 1; minus strand). Cytogenetic location: 8p22.
Variant type: single nucleotide variant.
Coding change: c.1021C>G on transcript NM_177924.5 (MANE Select); coding-DNA position 1021, C replaced by G.
Protein change: p.Leu341Val; replaces leucine 341 with valine.
Molecular consequence: missense variant.
Genome position (GRCh38, 1-based): chr8:18,059,361, G>C on the plus strand (C>G on the coding strand, the complement: ASAH1 is on the minus strand). VCF-style: chr8-18059361-G-C. GRCh37 (hg19) VCF-style: chr8-17916870-G-C.
Other names: c.1003C>G, p.Leu335Val (NM_001127505.3); c.826C>G, p.Leu276Val (NM_001363743.2); c.1069C>G, p.Leu357Val (NM_004315.6); short protein forms L276V, L335V, L341V, L357V.
Identifiers: ClinVar variation 2083099 (VCV002083099.4), dbSNP rs373464, ClinGen allele CA4650595.